The following is an entry in ClinVar:

NM_000215.4(JAK3):c.2593C>G (p.Gln865Glu)

Gene: JAK3 (Janus kinase 3; minus strand). Cytogenetic location: 19p13.11.
Variant type: single nucleotide variant.
Coding change: c.2593C>G on transcript NM_000215.4 (MANE Select); coding-DNA position 2593, C replaced by G.
Protein change: p.Gln865Glu; replaces glutamine 865 with glutamic acid.
Molecular consequence: missense variant.
Genome position (GRCh38, 1-based): chr19:17,832,606, G>C on the plus strand (C>G on the coding strand, the complement: JAK3 is on the minus strand). VCF-style: chr19-17832606-G-C. GRCh37 (hg19) VCF-style: chr19-17943415-G-C.
Other names: short protein forms Q865E.
Identifiers: ClinVar variation 532744 (VCV000532744.9), dbSNP rs749480147, ClinGen allele CA9301571.
Genomic context (GRCh38, chr19:17,832,606, plus strand): 5'-TGACAATGAAATCACTGTGCAGTGCTTTGAGGATCTGAATCTCCCGCTGAAAGTCCCTCT[G>C]CTGGTCTGGCCCGCTGTGCTGCAGCTGTTTCACGGCCACCAGGGCACCTGTATTGTCGCC-3'
Protein context (NP_000206.2, residues 855-875): KQLQHSGPDQ[Gln865Glu]RDFQREIQIL

ClinVar aggregate classification (germline): Uncertain significance. Review status: criteria provided, multiple submitters, no conflicts (2 of 4 stars). 2 submissions from 2 submitters: Uncertain significance (2). Last evaluated 2024-11-07.

Conditions:
T-B+ severe combined immunodeficiency due to JAK3 deficiency. Also called: SCID, autosomal recessive, T-negative/B-positive type; SCID, T CELL-NEGATIVE, B CELL-POSITIVE, NK CELL-NEGATIVE. Identifiers: Orphanet 35078, MedGen C1833275, MONDO:0010938, OMIM 600802.

Allele frequency attached by ClinVar (database versions not stated): gnomAD exomes below 0.00001; ExAC 0.00001; TOPMed 0.00001; gnomAD 0.00006.
gnomAD v4.1: 17 of 1,614,120 alleles (0.0011%); highest among the groups gnomAD compares: Admixed American, 0.015%; no homozygotes.

Submissions (2):

Blueprint Genetics
Classification: Uncertain significance. Last evaluated: 2024-11-07. Review status: criteria provided, single submitter. Criteria: ACMG Guidelines, 2015. Collection method: clinical testing. Allele origin: germline.

Labcorp Genetics (formerly Invitae), Labcorp
Classification: Uncertain significance for T-B+ severe combined immunodeficiency due to JAK3 deficiency. Last evaluated: 2021-08-31. Review status: criteria provided, single submitter. Criteria: Invitae Variant Classification Sherloc (09022015). Collection method: clinical testing. Allele origin: germline.
Comment: This sequence change replaces glutamine with glutamic acid at codon 865 of the JAK3 protein (p.Gln865Glu). The glutamine residue is weakly conserved and there is a small physicochemical difference between glutamine and glutamic acid. This variant is present in population databases (rs749480147, ExAC 0.01%). This variant has not been reported in the literature in individuals affected with JAK3-related conditions. Algorithms developed to predict the effect of missense changes on protein structure and function (SIFT, PolyPhen-2, Align-GVGD) all suggest that this variant is likely to be tolerated. In summary, the available evidence is currently insufficient to determine the role of this variant in disease. Therefore, it has been classified as a Variant of Uncertain Significance.